The following is an entry in ClinVar:

ClinVar aggregate classification (germline): Uncertain significance (1 of 4 stars; one submission).

Allele frequency attached by ClinVar (database versions not stated): gnomAD exomes 0.00002 and 0.00009; gnomAD 0.00005 and 0.00006; TOPMed 0.00005.
gnomAD v4.1: 32 of 1,528,638 alleles (0.0021%); highest among the groups gnomAD compares: Admixed American, 0.043%; no homozygotes.

Submission:

Labcorp Genetics (formerly Invitae), Labcorp
Classification: Uncertain significance. Last evaluated: 2024-12-09. Review status: criteria provided, single submitter. Criteria: Invitae Variant Classification Sherloc (09022015). Collection method: clinical testing. Allele origin: germline.
Comment: This sequence change replaces glycine, which is neutral and non-polar, with alanine, which is neutral and non-polar, at codon 17 of the IL6R protein (p.Gly17Ala). This variant is present in population databases (no rsID available, gnomAD 0.04%). This variant has not been reported in the literature in individuals affected with IL6R-related conditions. ClinVar contains an entry for this variant (Variation ID: 1516883). An algorithm developed to predict the effect of missense changes on protein structure and function outputs the following: PolyPhen-2: "Not Available". The alanine amino acid residue is found in multiple mammalian species, which suggests that this missense change does not adversely affect protein function. In summary, the available evidence is currently insufficient to determine the role of this variant in disease. Therefore, it has been classified as a Variant of Uncertain Significance.

NM_000565.4(IL6R):c.50G>C (p.Gly17Ala)

Genes: IL6R (interleukin 6 receptor; plus strand), IL6R-AS1 (IL6R antisense RNA 1; minus strand). Cytogenetic location: 1q21.3.
Variant type: single nucleotide variant.
Coding change: c.50G>C on transcript NM_000565.4 (MANE Select); coding-DNA position 50, G replaced by C.
Protein change: p.Gly17Ala; replaces glycine 17 with alanine.
Molecular consequence: missense variant.
Genome position (GRCh38, 1-based): chr1:154,405,679, G>C. VCF-style: chr1-154405679-G-C. GRCh37 (hg19) VCF-style: chr1-154378155-G-C.
Other names: c.50G>C, p.Gly17Ala (NM_001382771.1, NM_001382772.1, NM_001382773.1 and 5 more transcripts); short protein forms G17A.
Identifiers: ClinVar variation 1516883 (VCV001516883.6), dbSNP rs1438000486, ClinGen allele CA342595536.